The following is an entry in ClinVar:

ClinVar aggregate classification (germline): Pathogenic/Likely pathogenic. Review status: criteria provided, multiple submitters, no conflicts (2 of 4 stars). 2 submissions from 2 submitters: Pathogenic (1); Likely pathogenic (1). Last evaluated 2024-04-17.

Conditions:
Mucolipidosis type II. Also called: ML II ALPHA/BETA; Mucolipidosis 2; ML 2; Inclusion cell disease; Leroy Disease; N-acetylglucosamine 1phosphotransferase deficiency. Identifiers: Orphanet 576, MedGen C2673377, MONDO:0009650, OMIM 252500.
Pseudo-Hurler polydystrophy. Also called: ML III; ML III ALPHA/BETA; Type III Mucolipidosis; ML IIIA; Mucolipidosis III Alpha/Beta; MUCOLIPIDOSIS IIIA. Identifiers: Orphanet 423461, Orphanet 577, MedGen C0033788, MONDO:0018931, OMIM 252600.

Submissions (2):

Fulgent Genetics
Classification: Likely pathogenic for Mucolipidosis type II; Pseudo-Hurler polydystrophy. Last evaluated: 2024-04-17. Review status: criteria provided, single submitter. Criteria: ACMG Guidelines, 2015. Collection method: clinical testing. Allele origin: germline.

Labcorp Genetics (formerly Invitae), Labcorp
Classification: Pathogenic for Pseudo-Hurler polydystrophy; Mucolipidosis type II. Last evaluated: 2023-04-11. Review status: criteria provided, single submitter. Criteria: Invitae Variant Classification Sherloc (09022015). Collection method: clinical testing. Allele origin: germline.
Comment: For these reasons, this variant has been classified as Pathogenic. This sequence change creates a premature translational stop signal (p.Asn351Lysfs*11) in the GNPTAB gene. It is expected to result in an absent or disrupted protein product. Loss-of-function variants in GNPTAB are known to be pathogenic (PMID: 19617216, 25107912). This variant is not present in population databases (gnomAD no frequency). This premature translational stop signal has been observed in individual(s) with clinical features of mucolipidosis (PMID: 30882951).

Literature cited by the submitters: PubMed 19617216 (cited by Labcorp Genetics (formerly Invitae), Labcorp); PubMed 25107912 (cited by Labcorp Genetics (formerly Invitae), Labcorp); PubMed 30882951 (cited by Labcorp Genetics (formerly Invitae), Labcorp).

NM_024312.5(GNPTAB):c.1052dup (p.Asn351fs)

Gene: GNPTAB (N-acetylglucosamine-1-phosphate transferase subunits alpha and beta; minus strand). Cytogenetic location: 12q23.2.
Variant type: Duplication.
Coding change: c.1052dup on transcript NM_024312.5 (MANE Select); coding-DNA position 1052, one base duplicated (A; older notation c.1052dupA).
Protein change: p.Asn351fs; shifts the reading frame from asparagine 351.
Molecular consequence: frameshift variant.
Genome position (GRCh38, 1-based): chr12:101,770,467, T duplicated on the plus strand (A on the coding strand, the reverse complement: GNPTAB is on the minus strand); the first of 2 consecutive T bases (chr12:101,770,467-101,770,468); duplicating either gives the same sequence. VCF-style (leftmost placement, unchanged base first): chr12-101770466-G-GT. GRCh37 (hg19) VCF-style: chr12-102164244-G-GT.
Other names: short protein forms N351fs.
Identifiers: ClinVar variation 2931852 (VCV002931852.4), dbSNP rs2547961354, ClinGen allele CA2620452042.